The following is an entry in ClinVar:

NM_001365536.1(SCN9A):c.1979C>T (p.Thr660Met)

Genes: SCN9A (sodium voltage-gated channel alpha subunit 9; minus strand), SCN1A-AS1 (SCN1A and SCN9A antisense RNA 1; plus strand). Cytogenetic location: 2q24.3.
Variant type: single nucleotide variant.
Coding change: c.1979C>T on transcript NM_001365536.1 (MANE Select); coding-DNA position 1979, C replaced by T.
Protein change: p.Thr660Met; replaces threonine 660 with methionine.
Molecular consequence: missense variant.
Genome position (GRCh38, 1-based): chr2:166,281,804, G>A on the plus strand (C>T on the coding strand, the complement: SCN9A is on the minus strand). VCF-style: chr2-166281804-G-A. GRCh37 (hg19) VCF-style: chr2-167138314-G-A.
Other names: c.1946C>T, p.Thr649Met (NM_002977.4); short protein forms T649M, T660M.
Identifiers: ClinVar variation 433098 (VCV000433098.13), dbSNP rs200965749, ClinGen allele CA1944370.
Genomic context (GRCh38, chr2:166,281,804, plus strand): 5'-AGCATATCCTCTGAAAGGAGATAGGAACTACAACGCCTTTTCTTGTGTATTTGATTGGTC[G>A]TGCCCTAAAAAAAAAATCAATTAATGTCTTAAGAACAGAATCCTAATAAATTGTAGGTAT-3'
Protein context (NP_001352465.1, residues 650-670): IDKATSDDSG[Thr660Met]TNQIHKKRRC

ClinVar aggregate classification (germline): Conflicting classifications of pathogenicity. Review status: criteria provided, conflicting classifications (1 of 4 stars). 3 submissions from 3 submitters: Uncertain significance (1); Likely benign (1). 1 of the submissions does not count toward it. Last evaluated 2025-07-14.

Conditions:
Neuropathy, hereditary sensory and autonomic, type 2A (HSAN2A). Also called: WNK1-Related HSAN2 (HSAN2A); HSAN IIA; MORVAN DISEASE; NEUROPATHY, CONGENITAL SENSORY; ACROOSTEOLYSIS, GIACCAI TYPE; ACROOSTEOLYSIS, NEUROGENIC. Identifiers: Orphanet 970, MedGen C2752089, MONDO:0024309, OMIM 201300.
Generalized epilepsy with febrile seizures plus, type 7 (GEFSP7). Also called: GEFS+, TYPE 7. Identifiers: Orphanet 36387, MedGen C2751778, MONDO:0013470, OMIM 613863.
Inborn genetic diseases. Identifiers: MedGen C0950123, MeSH D030342.
Self-limited epilepsy with centrotemporal spikes. Also called: Rolandic epilepsy; Childhood epilepsy with centrotemporal spikes. Identifiers: Orphanet 1945, MedGen C0376532, MONDO:0007295.

Allele frequency attached by ClinVar (database versions not stated): gnomAD 0.00004; ExAC 0.00006; gnomAD exomes 0.00006 and 0.00007; TOPMed 0.00007.
gnomAD v4.1: 102 of 1,600,466 alleles (0.0064%); highest among the groups gnomAD compares: African/African-American, 0.014%; no homozygotes.

Submissions (3):

Labcorp Genetics (formerly Invitae), Labcorp
Classification: Likely benign for Neuropathy, hereditary sensory and autonomic, type 2A; Generalized epilepsy with febrile seizures plus, type 7. Last evaluated: 2025-07-14. Review status: criteria provided, single submitter. Criteria: Invitae Variant Classification Sherloc (09022015). Collection method: clinical testing. Allele origin: germline.

Ambry Genetics
Classification: Uncertain significance for Inborn genetic diseases. Last evaluated: 2020-05-14. Review status: criteria provided, single submitter. Criteria: Ambry Variant Classification Scheme 2023. Collection method: clinical testing. Allele origin: germline.
Comment: The p.T649M variant (also known as c.1946C>T), located in coding exon 12 of the SCN9A gene, results from a C to T substitution at nucleotide position 1946. The threonine at codon 649 is replaced by methionine, an amino acid with similar properties. This amino acid position is well conserved in available vertebrate species. In addition, the in silico prediction for this alteration is inconclusive. Since supporting evidence is limited at this time, the clinical significance of this alteration remains unclear.

Bioinformatics Core, Luxembourg Center for Systems Biomedicine
Classification: Pathogenic for Self-limited epilepsy with centrotemporal spikes. Last evaluated: 2017-01-01. Review status: no assertion criteria provided. Collection method: case-control. Allele origin: germline. Affected: yes. Study: EUROEPINOMICS COGIE. Not counted in ClinVar's aggregate classification.

Literature cited by the submitters: PubMed 29358611 (cited by Bioinformatics Core, Luxembourg Center for Systems Biomedicine).